The following is an entry in ClinVar:

NM_000260.4(MYO7A):c.2777T>C (p.Leu926Pro)

Gene: MYO7A (myosin VIIA; plus strand). Cytogenetic location: 11q13.5.
Variant type: single nucleotide variant.
Coding change: c.2777T>C on transcript NM_000260.4 (MANE Select); coding-DNA position 2777, T replaced by C.
Protein change: p.Leu926Pro; replaces leucine 926 with proline.
Molecular consequence: missense variant.
Genome position (GRCh38, 1-based): chr11:77,181,462, T>C. VCF-style: chr11-77181462-T-C. GRCh37 (hg19) VCF-style: chr11-76892508-T-C.
Other names: c.2777T>C, p.Leu926Pro (NM_001127180.2); c.2744T>C, p.Leu915Pro (NM_001369365.1); short protein forms L915P, L926P.
Identifiers: ClinVar variation 4527802 (VCV004527802.1).
Genomic context (GRCh38, chr11:77,181,462, plus strand): 5'-GTGAGGACGCTGAGCGGGAGCTGAAGGAGAAGGAGGCCGCTCGGCGGAAGAAGGAGCTCC[T>C]GGAGCAGATGGAAAGGGCCCGCCATGAGCCTGTCAATCACTCAGACATGGTGGACAAGAT-3'
Protein context (NP_000251.3, residues 916-936): KEAARRKKEL[Leu926Pro]EQMERARHEP

ClinVar aggregate classification (germline): Uncertain significance (1 of 4 stars; one submission).

Submission:

GeneDx
Classification: Uncertain significance. Last evaluated: 2025-04-29. Review status: criteria provided, single submitter. Criteria: GeneDx Variant Classification Process June 2021. Collection method: clinical testing. Allele origin: germline. Affected: yes.
Comment: Not observed at significant frequency in large population cohorts (gnomAD); In silico analysis supports that this missense variant has a deleterious effect on protein structure/function; Has not been previously published as pathogenic or benign to our knowledge